The following is an entry in ClinVar:

ClinVar aggregate classification (germline): Likely pathogenic (1 of 4 stars; one submission).

Submission:

Labcorp Genetics (formerly Invitae), Labcorp
Classification: Likely pathogenic. Last evaluated: 2020-12-14. Review status: criteria provided, single submitter. Criteria: Invitae Variant Classification Sherloc (09022015). Collection method: clinical testing. Allele origin: germline.
Comment: In summary, the currently available evidence indicates that the variant is pathogenic, but additional data are needed to prove that conclusively. Therefore, this variant has been classified as Likely Pathogenic. This variant disrupts the p.Leu676 amino acid residue in SLC26A4. Other variant(s) that disrupt this residue have been determined to be pathogenic (PMID: 12676893, 14715652, 21961810, 18310264). This suggests that this residue is clinically significant, and that variants that disrupt this residue are likely to be disease-causing. Advanced modeling of protein sequence and biophysical properties (such as structural, functional, and spatial information, amino acid conservation, physicochemical variation, residue mobility, and thermodynamic stability) performed at Invitae indicates that this missense variant is expected to disrupt SLC26A4 protein function. This variant has not been reported in the literature in individuals with SLC26A4-related conditions. This variant is not present in population databases (ExAC no frequency). This sequence change replaces leucine with proline at codon 676 of the SLC26A4 protein (p.Leu676Pro). The leucine residue is highly conserved and there is a moderate physicochemical difference between leucine and proline.

Literature cited by the submitters: PubMed 12676893; PubMed 14715652; PubMed 21961810; PubMed 18310264.

NM_000441.2(SLC26A4):c.2027T>C (p.Leu676Pro)

Gene: SLC26A4 (solute carrier family 26 member 4; plus strand). Cytogenetic location: 7q22.3.
Variant type: single nucleotide variant.
Coding change: c.2027T>C on transcript NM_000441.2 (MANE Select); coding-DNA position 2027, T replaced by C.
Protein change: p.Leu676Pro; replaces leucine 676 with proline.
Molecular consequence: missense variant.
Genome position (GRCh38, 1-based): chr7:107,702,050, T>C. VCF-style: chr7-107702050-T-C. GRCh37 (hg19) VCF-style: chr7-107342495-T-C.
Other names: short protein forms L676P.
Identifiers: ClinVar variation 1515298 (VCV001515298.8), dbSNP rs111033318, ClinGen allele CA368843849.